The following is an entry in ClinVar:

NM_000489.6(ATRX):c.485-7C>A

Gene: ATRX (ATRX chromatin remodeler; minus strand). Cytogenetic location: Xq21.1.
Variant type: single nucleotide variant.
Coding change: c.485-7C>A on transcript NM_000489.6 (MANE Select); 7 bases into the intron before coding-DNA position 485, C replaced by A.
Molecular consequence: intron variant.
Genome position (GRCh38, 1-based): chrX:77,688,934, G>T on the plus strand (C>A on the coding strand, the complement: ATRX is on the minus strand). VCF-style: chrX-77688934-G-T. GRCh37 (hg19) VCF-style: chrX-76944427-G-T.
Other names: c.371-7C>A (NM_138270.5).
Identifiers: ClinVar variation 1028791 (VCV001028791.1), dbSNP rs1225852818, ClinGen allele CA2438989351.

ClinVar aggregate classification (germline): Uncertain significance (1 of 4 stars; one submission).

Conditions:
Alpha thalassemia-X-linked intellectual disability syndrome (ATRX). Also called: ALPHA-THALASSEMIA/MENTAL RETARDATION SYNDROME, X-LINKED; ATR, NONDELETION TYPE; ATR-X syndrome; Alpha thalassemia mental retardation syndrome, nondeletion type, X-linked; XLMR hypotonic face syndrome; X-linked alpha-thalassemia-mental retardation syndrome. Identifiers: Orphanet 847, MedGen C1845055, MONDO:0010519, OMIM 301040.

Submission:

Baylor Genetics
Classification: Uncertain significance for Alpha thalassemia-X-linked intellectual disability syndrome. Last evaluated: 2020-06-09. Review status: criteria provided, single submitter. Criteria: ACMG Guidelines, 2015. Collection method: clinical testing. Allele origin: unknown. Affected: yes.
Comment: This variant was determined to be of uncertain significance according to ACMG Guidelines, 2015 [PMID:25741868].